The following is an entry in ClinVar:

ClinVar aggregate classification (germline): Uncertain significance (1 of 4 stars; one submission).

Conditions:
Intellectual developmental disorder, autosomal dominant 1. Also called: Intellectual disability, autosomal dominant 1; MBD5 Haploinsufficiency. Identifiers: Orphanet 228402, MedGen C1969562, MONDO:0007974, OMIM 156200.

Submission:

Labcorp Genetics (formerly Invitae), Labcorp
Classification: Uncertain significance for Intellectual developmental disorder, autosomal dominant 1. Last evaluated: 2024-05-06. Review status: criteria provided, single submitter. Criteria: Invitae Variant Classification Sherloc (09022015). Collection method: clinical testing. Allele origin: germline.
Comment: This sequence change replaces histidine, which is basic and polar, with tyrosine, which is neutral and polar, at codon 912 of the MBD5 protein (p.His912Tyr). This variant is not present in population databases (gnomAD no frequency). This variant has not been reported in the literature in individuals affected with MBD5-related conditions. ClinVar contains an entry for this variant (Variation ID: 863742). Advanced modeling of protein sequence and biophysical properties (such as structural, functional, and spatial information, amino acid conservation, physicochemical variation, residue mobility, and thermodynamic stability) performed at Invitae indicates that this missense variant is not expected to disrupt MBD5 protein function with a negative predictive value of 80%. In summary, the available evidence is currently insufficient to determine the role of this variant in disease. Therefore, it has been classified as a Variant of Uncertain Significance.

NM_001378120.1(MBD5):c.2734C>T (p.His912Tyr)

Gene: MBD5 (methyl-CpG binding domain protein 5; plus strand). Cytogenetic location: 2q23.1.
Variant type: single nucleotide variant.
Coding change: c.2734C>T on transcript NM_001378120.1 (MANE Select); coding-DNA position 2734, C replaced by T.
Protein change: p.His912Tyr; replaces histidine 912 with tyrosine.
Molecular consequence: missense variant.
Genome position (GRCh38, 1-based): chr2:148,483,325, C>T. VCF-style: chr2-148483325-C-T. GRCh37 (hg19) VCF-style: chr2-149240894-C-T.
Other names: c.2734C>T, p.His912Tyr (NM_018328.5); short protein forms H912Y.
Identifiers: ClinVar variation 863742 (VCV000863742.10), dbSNP rs1681223936, ClinGen allele CA348722587.
Genomic context (GRCh38, chr2:148,483,325, plus strand): 5'-GTTGGCCAGGAGCACGCACTTCATTTTCCATCCAACAGCACTTCAAACAACCATCTTCCA[C>T]ACCCCTTGAACCCCAGCCTCCTCAGTTCTCTACCTATCTCTTTGCCAGTGAATCAACAGC-3'
Protein context (NP_001365049.1, residues 902-922): SNSTSNNHLP[His912Tyr]PLNPSLLSSL